The following is an entry in ClinVar:

NM_030962.4(SBF2):c.1622C>T (p.Thr541Met)

Gene: SBF2 (SET binding factor 2; minus strand). Cytogenetic location: 11p15.4.
Variant type: single nucleotide variant.
Coding change: c.1622C>T on transcript NM_030962.4 (MANE Select); coding-DNA position 1622, C replaced by T.
Protein change: p.Thr541Met; replaces threonine 541 with methionine.
Molecular consequence: missense variant.
Genome position (GRCh38, 1-based): chr11:9,963,861, G>A on the plus strand (C>T on the coding strand, the complement: SBF2 is on the minus strand). VCF-style: chr11-9963861-G-A. GRCh37 (hg19) VCF-style: chr11-9985408-G-A.
Other names: p.Thr541Met; c.1622C>T, p.Thr541Met (NM_001386339.1); c.1493C>T, p.Thr498Met (NM_001386342.1); short protein forms T541M, T498M.
Identifiers: ClinVar variation 837500 (VCV000837500.17), dbSNP rs372109447, ClinGen allele CA217664067.
Genomic context (GRCh38, chr11:9,963,861, plus strand): 5'-AATATGAATGAGATACAGTTTCTGACAACTTCTAGTCTTTGTGCACTGTTGAAAACTGTC[G>A]TCACCTTGTCCATTATCGAAACTAGTAAAAGAATATAAAGAAAGCACAAATAAATTAAAC-3'
Protein context (NP_112224.1, residues 531-551): PPVVSIMDKV[Thr541Met]TVFNSAQRLE

ClinVar aggregate classification (germline): Uncertain significance. Review status: criteria provided, multiple submitters, no conflicts (2 of 4 stars). 5 submissions from 5 submitters: Uncertain significance (5). Last evaluated 2025-02-25.

Conditions:
Charcot-Marie-Tooth disease type 4. Also called: Charcot-Marie-Tooth, Type 4; Charcot-Marie-Tooth disease, type IV. Identifiers: Orphanet 64749, MedGen C4082197, MONDO:0018995.
Inborn genetic diseases. Identifiers: MedGen C0950123, MeSH D030342.

Allele frequency attached by ClinVar (database versions not stated): TOPMed 0.00006; ESP Exome Variant Server 0.00008.
gnomAD v4.1: 38 of 1,600,354 alleles (0.0024%); highest among the groups gnomAD compares: African/African-American, 0.008%; no homozygotes.

Submissions (5):

Labcorp Genetics (formerly Invitae), Labcorp
Classification: Uncertain significance for Charcot-Marie-Tooth disease type 4. Last evaluated: 2025-02-25. Review status: criteria provided, single submitter. Criteria: Invitae Variant Classification Sherloc (09022015). Collection method: clinical testing. Allele origin: germline.
Comment: This sequence change replaces threonine, which is neutral and polar, with methionine, which is neutral and non-polar, at codon 541 of the SBF2 protein (p.Thr541Met). This variant is present in population databases (rs372109447, gnomAD 0.008%). This variant has not been reported in the literature in individuals affected with SBF2-related conditions. ClinVar contains an entry for this variant (Variation ID: 837500). Invitae Evidence Modeling of protein sequence and biophysical properties (such as structural, functional, and spatial information, amino acid conservation, physicochemical variation, residue mobility, and thermodynamic stability) indicates that this missense variant is not expected to disrupt SBF2 protein function with a negative predictive value of 80%. In summary, the available evidence is currently insufficient to determine the role of this variant in disease. Therefore, it has been classified as a Variant of Uncertain Significance.

Ambry Genetics
Classification: Uncertain significance for Inborn genetic diseases. Last evaluated: 2025-01-28. Review status: criteria provided, single submitter. Criteria: Ambry Variant Classification Scheme 2023. Collection method: clinical testing. Allele origin: germline.

Women's Health and Genetics/Laboratory Corporation of America, LabCorp
Classification: Uncertain significance. Last evaluated: 2025-01-20. Review status: criteria provided, single submitter. Criteria: LabCorp Variant Classification Summary - May 2015. Collection method: clinical testing. Allele origin: germline.
Comment: Variant summary: SBF2 c.1622C>T (p.Thr541Met) results in a non-conservative amino acid change in the encoded protein sequence. Four of five in-silico tools predict a benign effect of the variant on protein function. The variant allele was found at a frequency of 2e-05 in 248994 control chromosomes. The available data on variant occurrences in the general population are insufficient to allow any conclusion about variant significance. To our knowledge, no occurrence of c.1622C>T in individuals affected with Charcot-Marie-Tooth disease type 4B2 and no experimental evidence demonstrating its impact on protein function have been reported. ClinVar contains an entry for this variant (Variation ID: 837500). Based on the evidence outlined above, the variant was classified as uncertain significance.

Mayo Clinic Laboratories, Mayo Clinic
Classification: Uncertain significance. Last evaluated: 2021-11-04. Review status: criteria provided, single submitter. Criteria: ACMG Guidelines, 2015. Collection method: clinical testing. Allele origin: germline.

Athena Diagnostics
Classification: Uncertain significance. Last evaluated: 2019-12-17. Review status: criteria provided, single submitter. Criteria: Athena Diagnostics Criteria. Collection method: clinical testing. Allele origin: unknown.